The following is an entry in ClinVar:

ClinVar aggregate classification (germline): Conflicting classifications of pathogenicity. Review status: criteria provided, conflicting classifications (1 of 4 stars). 2 submissions from 2 submitters: Uncertain significance (1); Likely benign (1). Last evaluated 2024-09-18.

Conditions:
Vici syndrome (VICIS). Identifiers: Orphanet 1493, MedGen C1855772, MONDO:0009452, OMIM 242840.

Allele frequency attached by ClinVar (database versions not stated): ExAC 0.00002; gnomAD 0.00002; TOPMed 0.00002; gnomAD exomes 0.00003.
gnomAD v4.1: 44 of 1,611,280 alleles (0.0027%); highest among the groups gnomAD compares: Non-Finnish European, 0.0034%; no homozygotes.

Submissions (2):

Blueprint Genetics
Classification: Likely benign. Last evaluated: 2024-09-18. Review status: criteria provided, single submitter. Criteria: ACMG Guidelines, 2015. Collection method: clinical testing. Allele origin: germline.

Labcorp Genetics (formerly Invitae), Labcorp
Classification: Uncertain significance for Vici syndrome. Last evaluated: 2022-03-25. Review status: criteria provided, single submitter. Criteria: Invitae Variant Classification Sherloc (09022015). Collection method: clinical testing. Allele origin: germline.
Comment: This sequence change falls in intron 6 of the EPG5 gene. It does not directly change the encoded amino acid sequence of the EPG5 protein. It affects a nucleotide within the consensus splice site. This variant is present in population databases (rs779273987, gnomAD 0.005%). This variant has not been reported in the literature in individuals affected with EPG5-related conditions. Variants that disrupt the consensus splice site are a relatively common cause of aberrant splicing (PMID: 17576681, 9536098). Algorithms developed to predict the effect of sequence changes on RNA splicing suggest that this variant may disrupt the consensus splice site. In summary, the available evidence is currently insufficient to determine the role of this variant in disease. Therefore, it has been classified as a Variant of Uncertain Significance.

Literature cited by the submitters: PubMed 17576681 (cited by Labcorp Genetics (formerly Invitae), Labcorp); PubMed 9536098 (cited by Labcorp Genetics (formerly Invitae), Labcorp).

NM_020964.3(EPG5):c.1571+3A>G

Gene: EPG5 (ectopic P-granules 5 autophagy tethering factor; minus strand). Cytogenetic location: 18q21.1.
Variant type: single nucleotide variant.
Coding change: c.1571+3A>G on transcript NM_020964.3 (MANE Select); 3 bases into the intron after coding-DNA position 1571, A replaced by G.
Molecular consequence: intron variant.
Genome position (GRCh38, 1-based): chr18:45,948,500, T>C on the plus strand (A>G on the coding strand, the complement: EPG5 is on the minus strand). VCF-style: chr18-45948500-T-C. GRCh37 (hg19) VCF-style: chr18-43528466-T-C.
Identifiers: ClinVar variation 1922043 (VCV001922043.3), dbSNP rs779273987, ClinGen allele CA8949678.